The following is an entry in ClinVar:

ClinVar aggregate classification (germline): Uncertain significance (1 of 4 stars; one submission).

Conditions:
Cardiovascular phenotype. Identifiers: MedGen CN230736.

Allele frequency attached by ClinVar (database versions not stated): gnomAD exomes below 0.00001; ExAC 0.00001.
gnomAD v4.1: 3 of 1,612,434 alleles (0.00019%); highest among the groups gnomAD compares: East Asian, 0.0067%; no homozygotes.

Submission:

Ambry Genetics
Classification: Uncertain significance for Cardiovascular phenotype. Last evaluated: 2022-01-26. Review status: criteria provided, single submitter. Criteria: Ambry Variant Classification Scheme 2023. Collection method: clinical testing. Allele origin: germline.
Comment: The p.E3157G variant (also known as c.9470A>G), located in coding exon 27 of the TNXB gene, results from an A to G substitution at nucleotide position 9470. The glutamic acid at codon 3157 is replaced by glycine, an amino acid with similar properties. This amino acid position is conserved. In addition, this alteration is predicted to be tolerated by in silico analysis. Since supporting evidence is limited at this time, the clinical significance of this alteration remains unclear.

NM_001365276.2(TNXB):c.9476A>G (p.Glu3159Gly)

Gene: TNXB (tenascin XB; minus strand). Cytogenetic location: 6p21.33.
Variant type: single nucleotide variant.
Coding change: c.9476A>G on transcript NM_001365276.2 (MANE Select); coding-DNA position 9476, A replaced by G.
Protein change: p.Glu3159Gly; replaces glutamic acid 3159 with glycine.
Molecular consequence: missense variant.
Genome position (GRCh38, 1-based): chr6:32,049,551, T>C on the plus strand (A>G on the coding strand, the complement: TNXB is on the minus strand). VCF-style: chr6-32049551-T-C. GRCh37 (hg19) VCF-style: chr6-32017328-T-C.
Other names: c.9470A>G, p.Glu3157Gly (NM_019105.8); short protein forms E3157G, E3159G.
Identifiers: ClinVar variation 1767075 (VCV001767075.2), dbSNP rs753765413, ClinGen allele CA3733510.